The following is an entry in ClinVar:

NM_003356.4(UCP3):c.390G>A (p.Ala130=)

Gene: UCP3 (uncoupling protein 3; minus strand). Cytogenetic location: 11q13.4.
Variant type: single nucleotide variant.
Coding change: c.390G>A on transcript NM_003356.4 (MANE Select); coding-DNA position 390, G replaced by A.
Protein change: p.Ala130=; no amino-acid change (alanine 130 retained).
Molecular consequence: synonymous variant.
Genome position (GRCh38, 1-based): chr11:74,005,881, C>T on the plus strand (G>A on the coding strand, the complement: UCP3 is on the minus strand). VCF-style: chr11-74005881-C-T. GRCh37 (hg19) VCF-style: chr11-73716926-C-T.
Other names: c.390G>A (NM_003356.3); c.390G>A, p.Ala130= (NM_022803.3).
Identifiers: ClinVar variation 2716095 (VCV002716095.4), dbSNP rs757686405, ClinGen allele CA6181498.
Genomic context (GRCh38, chr11:74,005,881, plus strand): 5'-GAGGTGTATGCTGGCCTGAAATCGGACCTTCACCACATCTGTGGGCTGGGCACAGGTCAC[C>T]GCCATGGCTCCTGTGGTGCAGCCGGCCAAAATCCGGGTAGTGAGGCTGGAGTCTGGGAGG-3'
Protein context (NP_003347.1, residues 120-140): ILAGCTTGAM[Ala130=]VTCAQPTDVV

ClinVar aggregate classification (germline): Likely benign. Review status: criteria provided, single submitter (1 of 4 stars). 2 submissions from 2 submitters: Likely benign (1). 1 of the submissions does not count toward it. Last evaluated 2022-11-09.

Conditions:
UCP3-related disorder. Also called: UCP3-related condition.

Allele frequency attached by ClinVar (database versions not stated): ExAC 0.00002; gnomAD exomes 0.00002; gnomAD 0.00003; TOPMed 0.00003.
gnomAD v4.1: 50 of 1,614,032 alleles (0.0031%); highest among the groups gnomAD compares: Admixed American, 0.015%; no homozygotes.

Submissions (2):

Labcorp Genetics (formerly Invitae), Labcorp
Classification: Likely benign. Last evaluated: 2022-11-09. Review status: criteria provided, single submitter. Criteria: Invitae Variant Classification Sherloc (09022015). Collection method: clinical testing. Allele origin: germline.

PreventionGenetics, part of Exact Sciences
Classification: Likely benign for UCP3-related condition. Last evaluated: 2024-08-05. Review status: no assertion criteria provided. Collection method: clinical testing. Allele origin: germline. Not counted in ClinVar's aggregate classification.
Comment: This variant is classified as likely benign based on ACMG/AMP sequence variant interpretation guidelines (Richards et al. 2015 PMID: 25741868, with internal and published modifications).